The following is an entry in ClinVar:

NM_003470.3(USP7):c.2785G>A (p.Val929Met)

Gene: USP7 (ubiquitin specific peptidase 7; minus strand). Cytogenetic location: 16p13.2.
Variant type: single nucleotide variant.
Coding change: c.2785G>A on transcript NM_003470.3 (MANE Select); coding-DNA position 2785, G replaced by A.
Protein change: p.Val929Met; replaces valine 929 with methionine.
Molecular consequence: missense variant. On other transcripts: non-coding transcript variant (1).
Genome position (GRCh38, 1-based): chr16:8,897,033, C>T on the plus strand (G>A on the coding strand, the complement: USP7 is on the minus strand). VCF-style: chr16-8897033-C-T. GRCh37 (hg19) VCF-style: chr16-8990890-C-T.
Other names: c.2737G>A, p.Val913Met (NM_001286457.2); c.2488G>A, p.Val830Met (NM_001286458.2); c.2611G>A, p.Val871Met (NM_001321858.2); c.2785G>A (NM_003470.2); short protein forms V830M, V871M, V913M, V929M.
Identifiers: ClinVar variation 1342501 (VCV001342501.2), dbSNP rs368894909, ClinGen allele CA7894905.
Genomic context (GRCh38, chr16:8,897,033, plus strand): 5'-CACAATTGGGCTCAAGAAATACTTGCCTAAGTTTCCCTGATGCTTTCTCCCCAAGCTCCA[C>T]GGCCTTTTTACATTCTTCTAACAGGTCCCGGACACACCCATGCTTGTCTGGATATAGTGT-3'
Protein context (NP_003461.2, residues 919-939): RDLLEECKKA[Val929Met]ELGEKASGKL

ClinVar aggregate classification (germline): Uncertain significance. Review status: criteria provided, multiple submitters, no conflicts (2 of 4 stars). 2 submissions from 2 submitters: Uncertain significance (2). Last evaluated 2024-12-06.

Conditions:
Hao-Fountain syndrome (HAFOUS). Identifiers: Orphanet 643549, MedGen C5393908, MONDO:0014805.
Inborn genetic diseases. Identifiers: MedGen C0950123, MeSH D030342.

Allele frequency attached by ClinVar (database versions not stated): gnomAD exomes 0.00001 and 0.00002; ExAC 0.00002; gnomAD 0.00002; TOPMed 0.00002; ESP Exome Variant Server 0.00008.
gnomAD v4.1: 17 of 1,614,028 alleles (0.0011%); highest among the groups gnomAD compares: Middle Eastern, 0.016%; no homozygotes.

Submissions (2):

Ambry Genetics
Classification: Uncertain significance for Inborn genetic diseases. Last evaluated: 2024-12-06. Review status: criteria provided, single submitter. Criteria: Ambry Variant Classification Scheme 2023. Collection method: clinical testing. Allele origin: germline.

New York Genome Center
Classification: Uncertain significance for Hao-Fountain syndrome due to USP7 mutation. Last evaluated: 2021-04-15. Review status: criteria provided, single submitter. Criteria: NYGC Assertion Criteria 2020. Collection method: clinical testing. Allele origin: inherited. Observed: 1 heterozygote. Study: CSER-NYCKidSeq.
Comment: The inherited heterozygous c.2785G>A (p.Val929Met) variant identified in the USP7 gene has not been reported in affected individuals in the literature. The variant has 0.00001971 allele frequency in the gnomAD(v3) database (3 out of 152,198 heterozygous alleles, no homozygotes)suggesting it is not a common benign variant in the populations represented in that database. The variant affects an evolutionarily conserved residue. In silico tools provide conflicting predictions about potential pathogenicity of this variant. Based on the available evidence, the inherited heterozygousc.2785G>A (p.Val929Met) variant identified in USP7 gene is reported as a variant of uncertain significance.